The following is an entry in ClinVar:

ClinVar aggregate classification (germline): Uncertain significance (1 of 4 stars; one submission).

Conditions:
Hereditary cancer-predisposing syndrome. Also called: Neoplastic Syndromes, Hereditary; Tumor predisposition; Hereditary neoplastic syndrome; Hereditary Cancer Syndrome. Identifiers: Orphanet 140162, MedGen C0027672, MeSH D009386, MONDO:0015356.

gnomAD v4.1: 3 of 1,610,044 alleles (0.00019%); highest among the groups gnomAD compares: South Asian, 0.0033%; no homozygotes.

Submission:

Ambry Genetics
Classification: Uncertain significance for Hereditary cancer-predisposing syndrome. Last evaluated: 2026-08-25. Review status: criteria provided, single submitter. Criteria: Ambry Variant Classification Scheme 2023. Collection method: clinical testing. Allele origin: germline.
Comment: The c.4005+4A>C intronic variant results from an A to C substitution 4 nucleotides after coding exon 32 in the TSC2 gene. This nucleotide position is highly conserved in available vertebrate species. In silico splice site analysis predicts that this alteration will not have any significant effect on splicing. Based on the available evidence, the clinical significance of this variant remains unclear.

NM_000548.5(TSC2):c.4005+4A>C

Gene: TSC2 (TSC complex subunit 2; plus strand). Cytogenetic location: 16p13.3.
Variant type: single nucleotide variant.
Coding change: c.4005+4A>C on transcript NM_000548.5 (MANE Select); 4 bases into the intron after coding-DNA position 4005, A replaced by C.
Molecular consequence: intron variant.
Genome position (GRCh38, 1-based): chr16:2,083,820, A>C. VCF-style: chr16-2083820-A-C. GRCh37 (hg19) VCF-style: chr16-2133821-A-C.
Other names: c.2463+4A>C (NM_001406693.1, NM_001406692.1, NM_001406694.1); c.3897+4A>C (NM_001406667.1); c.3894+4A>C (NM_001406668.1); c.3405+4A>C (NM_001406680.1); c.3336+4A>C (NM_001406683.1, NM_001406682.1); c.3204+4A>C (NM_001406687.1, NM_001406688.1); c.2592+4A>C (NM_001406689.1); c.2532+4A>C (NM_001406690.1); and 26 more.
Identifiers: ClinVar variation 5031394 (VCV005031394.1).